The following is an entry in ClinVar:

ClinVar aggregate classification (germline): Uncertain significance. Review status: criteria provided, single submitter (1 of 4 stars). 3 submissions from 3 submitters: Uncertain significance (1). 2 of the submissions do not count toward it. Last evaluated 2026-02-18.

Allele frequency attached by ClinVar (database versions not stated): gnomAD exomes 0.00011 and 0.00030; TOPMed 0.00012; gnomAD 0.00011; ExAC 0.00005.
gnomAD v4.1: 438 of 1,550,888 alleles (0.028%); highest among the groups gnomAD compares: Non-Finnish European, 0.036%; no homozygotes.

Submissions (3):

GeneDx
Classification: Uncertain significance. Last evaluated: 2026-02-18. Review status: criteria provided, single submitter. Criteria: GeneDx Variant Classification Process June 2021. Collection method: clinical testing. Allele origin: germline.
Comment: In silico analysis supports that this missense variant has a deleterious effect on protein structure/function; Has not been previously published as pathogenic or benign to our knowledge

Clinical Genetics DNA and cytogenetics Diagnostics Lab, Erasmus MC, Erasmus Medical Center
Classification: Uncertain significance. Review status: no assertion criteria provided. Collection method: clinical testing. Allele origin: germline. Affected: yes. Study: VKGL Data-share Consensus. Not counted in ClinVar's aggregate classification.

Joint Genome Diagnostic Labs from Nijmegen and Maastricht, Radboudumc and MUMC+
Classification: Uncertain significance. Review status: no assertion criteria provided. Collection method: clinical testing. Allele origin: germline. Affected: yes. Study: VKGL Data-share Consensus. Not counted in ClinVar's aggregate classification.

NM_001145026.2(PTPRQ):c.6487T>C (p.Phe2163Leu)

Gene: PTPRQ (protein tyrosine phosphatase receptor type Q; plus strand). Cytogenetic location: 12q21.31.
Variant type: single nucleotide variant.
Coding change: c.6487T>C on transcript NM_001145026.2 (MANE Select); coding-DNA position 6487, T replaced by C.
Protein change: p.Phe2163Leu; replaces phenylalanine 2163 with leucine.
Molecular consequence: missense variant.
Genome position (GRCh38, 1-based): chr12:80,670,377, T>C. VCF-style: chr12-80670377-T-C. GRCh37 (hg19) VCF-style: chr12-81064156-T-C.
Other names: c.6487T>C (NM_001145026.1); short protein forms F2163L.
Identifiers: ClinVar variation 1297514 (VCV001297514.4), dbSNP rs773066654, ClinGen allele CA6702965.